The following is an entry in ClinVar:

NM_003482.4(KMT2D):c.8785C>T (p.Leu2929Phe)

Gene: KMT2D (lysine methyltransferase 2D; minus strand). Cytogenetic location: 12q13.12.
Variant type: single nucleotide variant.
Coding change: c.8785C>T on transcript NM_003482.4 (MANE Select); coding-DNA position 8785, C replaced by T.
Protein change: p.Leu2929Phe; replaces leucine 2929 with phenylalanine.
Molecular consequence: missense variant.
Genome position (GRCh38, 1-based): chr12:49,038,571, G>A on the plus strand (C>T on the coding strand, the complement: KMT2D is on the minus strand). VCF-style: chr12-49038571-G-A. GRCh37 (hg19) VCF-style: chr12-49432354-G-A.
Other names: short protein forms L2929F.
Identifiers: ClinVar variation 3363360 (VCV003363360.1).

ClinVar aggregate classification (germline): Uncertain significance (1 of 4 stars; one submission).

gnomAD v4.1: 2 of 1,612,368 alleles (0.00012%); highest among the groups gnomAD compares: South Asian, 0.0022%; no homozygotes.

Submission:

GeneDx
Classification: Uncertain significance. Last evaluated: 2023-10-21. Review status: criteria provided, single submitter. Criteria: GeneDx Variant Classification Process June 2021. Collection method: clinical testing. Allele origin: germline. Affected: yes.
Comment: Not observed at significant frequency in large population cohorts (gnomAD); Has not been previously published as pathogenic or benign to our knowledge; In silico analysis supports that this missense variant does not alter protein structure/function